The following is an entry in ClinVar:

ClinVar aggregate classification (germline): Likely pathogenic. Review status: criteria provided, single submitter (1 of 4 stars). 2 submissions from 2 submitters: Likely pathogenic (1). 1 of the submissions does not count toward it. Last evaluated 2021-03-09.

Conditions:
Dworschak-Punetha neurodevelopmental syndrome (DWOPNED). Identifiers: MedGen C5677017, MONDO:0859260, OMIM 619955.
Neurodevelopmental disorder. Identifiers: MedGen C1535926, MeSH D065886, MONDO:0700092.

Submissions (2):

Lupski Lab, Baylor-Hopkins CMG, Baylor College of Medicine
Classification: Likely pathogenic for Neurodevelopmental disorder. Last evaluated: 2021-03-09. Review status: criteria provided, single submitter. Criteria: ACMG Guidelines, 2015. Collection method: research. Allele origin: germline. Inheritance: Autosomal recessive inheritance. Affected: yes. Observed: 1 variant allele, 1 compound heterozygote.
Comment: The variant has a low MAF in gnomAD (0.00003) with no homozygotes. The CADD phred score is 24.5 and it is predicted as probably damaging and deleterious by SIFT and PolyPhen, respectively.

OMIM
Classification: Pathogenic for DWORSCHAK-PUNETHA NEURODEVELOPMENTAL SYNDROME. Last evaluated: 2022-07-13. Review status: no assertion criteria provided. Collection method: literature only. Allele origin: germline. Not counted in ClinVar's aggregate classification.

Literature cited by the submitters: PubMed 34054129 (cited by OMIM).

NM_032242.4(PLXNA1):c.356T>C (p.Leu119Pro)

Gene: PLXNA1 (plexin A1; plus strand). Cytogenetic location: 3q21.3.
Variant type: single nucleotide variant.
Coding change: c.356T>C on transcript NM_032242.4 (MANE Select); coding-DNA position 356, T replaced by C.
Protein change: p.Leu119Pro; replaces leucine 119 with proline.
Molecular consequence: missense variant.
Genome position (GRCh38, 1-based): chr3:126,988,949, T>C. VCF-style: chr3-126988949-T-C. GRCh37 (hg19) VCF-style: chr3-126707792-T-C.
Other names: short protein forms L119P.
Identifiers: ClinVar variation 1098571 (VCV001098571.2), dbSNP rs2107620082, ClinGen allele CA354370787.
Genomic context (GRCh38, chr3:126,988,949, plus strand): 5'-CCAGCGTGCAGTCCTGCCCCCACGGCCTGGGCAGTACTGACAACGTCAACAAGCTGCTGC[T>C]GCTGGACTATGCCGCTAACCGCCTGCTGGCCTGTGGCAGCGCCTCCCAGGGCATCTGCCA-3'
Protein context (NP_115618.3, residues 109-129): GSTDNVNKLL[Leu119Pro]LDYAANRLLA